The following is an entry in ClinVar:

NM_001267550.2(TTN):c.53226T>C (p.Tyr17742=)

Genes: TTN (titin; minus strand), TTN-AS1 (TTN antisense RNA 1; plus strand), LOC126806425 (BRD4-independent group 4 enhancer GRCh37_chr2:179471933-179473132; plus strand). Cytogenetic location: 2q31.2.
Variant type: single nucleotide variant.
Coding change: c.53226T>C on transcript NM_001267550.2 (MANE Select); coding-DNA position 53226, T replaced by C.
Protein change: p.Tyr17742=; no amino-acid change (tyrosine 17742 retained).
Molecular consequence: synonymous variant.
Genome position (GRCh38, 1-based): chr2:178,607,462, A>G on the plus strand (T>C on the coding strand, the complement: TTN is on the minus strand). VCF-style: chr2-178607462-A-G. GRCh37 (hg19) VCF-style: chr2-179472189-A-G.
Other names: c.48303T>C, p.Tyr16101= (NM_001256850.1); c.26031T>C, p.Tyr8677= (NM_003319.4); c.45522T>C, p.Tyr15174= (NM_133378.4); c.26406T>C, p.Tyr8802= (NM_133432.3); c.26607T>C, p.Tyr8869= (NM_133437.4).
Identifiers: ClinVar variation 284098 (VCV000284098.46), dbSNP rs202200861, ClinGen allele CA1993839.

ClinVar aggregate classification (germline): Conflicting classifications of pathogenicity. Review status: criteria provided, conflicting classifications (1 of 4 stars). 10 submissions from 10 submitters: Uncertain significance (1); Benign (1); Likely benign (7). 1 of the submissions does not count toward it. Last evaluated 2026-09-21.

Conditions:
TTN-related disorder. Also called: TTN-related disorders; TTN-related condition; TTN-related disease.
Cardiovascular phenotype. Identifiers: MedGen CN230736.
Autosomal recessive limb-girdle muscular dystrophy type 2J (LGMDR10). Also called: Limb-girdle muscular dystrophy, type 2J; MUSCULAR DYSTROPHY, LIMB-GIRDLE, AUTOSOMAL RECESSIVE 10. Identifiers: Orphanet 140922, MedGen C1837342, MONDO:0012127, OMIM 608807.
Dilated cardiomyopathy 1G (CMD1G). Identifiers: Orphanet 154, MedGen C1858763, MONDO:0011400, OMIM 604145.
Cardiomyopathy (CMYO). Also called: Cardiomyopathies. Identifiers: Orphanet 167848, MedGen C0878544, MONDO:0004994, HP:0001638. Inheritance: Various modes of inheritance.

Allele frequency attached by ClinVar (database versions not stated): ExAC 0.00017; gnomAD exomes 0.00018 and 0.00045; 1000 Genomes Project 0.00020; gnomAD 0.00027 and 0.00028; TOPMed 0.00030; 1000 Genomes Project 30x 0.00031; ESP Exome Variant Server 0.00050.
gnomAD v4.1: 698 of 1,613,170 alleles (0.043%); highest among the groups gnomAD compares: Non-Finnish European, 0.056%; 1 homozygote.

Submissions (10):

Molecular Diagnostic Laboratory for Inherited Cardiovascular Disease, Montreal Heart Institute
Classification: Likely benign. Last evaluated: 2026-09-21. Review status: criteria provided, single submitter. Criteria: ACMG Guidelines, 2015. Collection method: clinical testing. Allele origin: germline. Affected: no.
Comment: BS1;BP7

Labcorp Genetics (formerly Invitae), Labcorp
Classification: Likely benign for Dilated cardiomyopathy 1G; Autosomal recessive limb-girdle muscular dystrophy type 2J. Last evaluated: 2026-02-02. Review status: criteria provided, single submitter. Criteria: Invitae Variant Classification Sherloc (09022015). Collection method: clinical testing. Allele origin: germline.

CeGaT Center for Human Genetics Tuebingen
Classification: Likely benign. Last evaluated: 2025-09-01. Review status: criteria provided, single submitter. Criteria: CeGaT Center For Human Genetics Tuebingen Variant Classification Criteria Version 2. Collection method: clinical testing. Allele origin: germline. Affected: yes. Observed: 6 variant alleles.
Comment: TTN: BP4, BP7

Blueprint Genetics
Classification: Likely benign. Last evaluated: 2024-11-18. Review status: criteria provided, single submitter. Criteria: ACMG Guidelines, 2015. Collection method: clinical testing. Allele origin: germline.

CHEO Genetics Diagnostic Laboratory, Children's Hospital of Eastern Ontario
Classification: Likely benign for Cardiomyopathy. Last evaluated: 2021-09-16. Review status: criteria provided, single submitter. Criteria: ACMG Guidelines, 2015. Collection method: clinical testing. Allele origin: germline.

Women's Health and Genetics/Laboratory Corporation of America, LabCorp
Classification: Likely benign. Last evaluated: 2021-08-28. Review status: criteria provided, single submitter. Criteria: LabCorp Variant Classification Summary - May 2015. Collection method: clinical testing. Allele origin: germline.

Ambry Genetics
Classification: Likely benign for Cardiovascular phenotype. Last evaluated: 2018-05-30. Review status: criteria provided, single submitter. Criteria: Ambry Variant Classification Scheme 2023. Collection method: clinical testing. Allele origin: germline.

Eurofins Ntd Llc (ga)
Classification: Uncertain significance. Last evaluated: 2015-10-15. Review status: criteria provided, single submitter. Criteria: EGL Classification Definitions 2015. Collection method: clinical testing. Allele origin: germline. Observed: 3 variant alleles, 3 heterozygotes.

GeneDx
Classification: Benign. Last evaluated: 2015-09-22. Review status: criteria provided, single submitter. Criteria: GeneDx Variant Classification (06012015). Collection method: clinical testing. Allele origin: germline. Affected: yes.
Comment: This variant is considered likely benign or benign based on one or more of the following criteria: it is a conservative change, it occurs at a poorly conserved position in the protein, it is predicted to be benign by multiple in silico algorithms, and/or has population frequency not consistent with disease.

PreventionGenetics, part of Exact Sciences
Classification: Likely benign for TTN-related condition. Last evaluated: 2024-06-26. Review status: no assertion criteria provided. Collection method: clinical testing. Allele origin: germline. Not counted in ClinVar's aggregate classification.
Comment: This variant is classified as likely benign based on ACMG/AMP sequence variant interpretation guidelines (Richards et al. 2015 PMID: 25741868, with internal and published modifications).